The following is an entry in ClinVar:

NM_000719.7(CACNA1C):c.5609C>A (p.Thr1870Lys)

Genes: CACNA1C (calcium voltage-gated channel subunit alpha1 C; plus strand), CACNA1C-AS1 (CACNA1C antisense RNA 1; minus strand). Cytogenetic location: 12p13.33.
Variant type: single nucleotide variant.
Coding change: c.5609C>A on transcript NM_000719.7 (MANE Select); coding-DNA position 5609, C replaced by A.
Protein change: p.Thr1870Lys; replaces threonine 1870 with lysine.
Molecular consequence: missense variant.
Genome position (GRCh38, 1-based): chr12:2,685,771, C>A. VCF-style: chr12-2685771-C-A. GRCh37 (hg19) VCF-style: chr12-2794937-C-A.
Other names: c.5714C>A, p.Thr1905Lys (NM_001129830.3, NM_001167624.3); c.5693C>A, p.Thr1898Lys (NM_001129831.2); c.5669C>A, p.Thr1890Lys (NM_001129832.2); c.5666C>A, p.Thr1889Lys (NM_001129833.2, NM_001129834.2, NM_001129835.2); c.5660C>A, p.Thr1887Lys (NM_001129836.2); c.5633C>A, p.Thr1878Lys (NM_001129837.2, NM_001129838.2); c.5627C>A, p.Thr1876Lys (NM_001129839.2); c.5753C>A, p.Thr1918Lys (NM_001129827.2); and 6 more; short protein forms T1859K, T1867K, T1870K, T1876K, T1878K, T1887K, T1889K, T1890K.
Identifiers: ClinVar variation 1699226 (VCV001699226.3), dbSNP rs201777030, ClinGen allele CA383381953.

ClinVar aggregate classification (germline): Uncertain significance (1 of 4 stars; one submission).

Conditions:
Long QT syndrome 8. Identifiers: MedGen CN260585, MONDO:0032756, OMIM 618447.

Submission:

Victorian Clinical Genetics Services, Murdoch Childrens Research Institute
Classification: Uncertain significance for Long QT syndrome 8. Last evaluated: 2022-06-24. Review status: criteria provided, single submitter. Criteria: ACMG Guidelines, 2015. Collection method: clinical testing. Allele origin: germline. Inheritance: Autosomal dominant inheritance. Affected: yes.
Comment: Based on the classification scheme VCGS_Germline_v1.3.4, this variant is classified as VUS-3C. Following criteria are met: 0101 - Gain of function is a known mechanism of disease in this gene and is associated with long QT syndrome 8 (MIM#618447) and Timothy syndrome (MIM#601005). Missense variants result in loss of channel inactivation and increased current (OMIM, PMID: 25260352). (I) 0107 - This gene is associated with autosomal dominant disease. (I) 0200 - Variant is predicted to result in a missense amino acid change from threonine to lysine. (I) 0251 - This variant is heterozygous. (I) 0301 - Variant is absent from gnomAD (both v2 and v3). (SP) 0309 - Two alternative amino acid changes at the same position have been observed in gnomAD (highest allele count for p.(Thr1870Met), v2 and v3: 390 heterozygotes, 1 homozygote). (I) 0503 - Missense variant consistently predicted to be tolerated by multiple in silico tools or not conserved in placental mammals with a minor amino acid change. (SB) 0600 - Variant is located in the annotated voltage-gated calcium channel subunit alpha, C-term domain (NCBI). (I) 0709 - Another missense variant comparable to the one identified in this case has limited previous evidence for being benign. p.(Thr1870Met) has been reported as benign or likely benign by multiple clinical testing laboratories (ClinVar). (SB) 0807 - This variant has no previous evidence of pathogenicity. (I) 0905 - No published segregation evidence has been identified for this variant. (I) 1007 - No published functional evidence has been identified for this variant. (I) 1208 - Inheritance information for this variant is not currently available in this individual. (I) Legend: (SP) - Supporting pathogenic, (I) - Information, (SB) - Supporting benign

Literature cited by the submitters: PubMed 25260352.